The following is an entry in ClinVar:

NM_005428.4(VAV1):c.361G>T (p.Ala121Ser)

Gene: VAV1 (vav guanine nucleotide exchange factor 1; plus strand). Cytogenetic location: 19p13.3.
Variant type: single nucleotide variant.
Coding change: c.361G>T on transcript NM_005428.4 (MANE Select); coding-DNA position 361, G replaced by T.
Protein change: p.Ala121Ser; replaces alanine 121 with serine.
Molecular consequence: missense variant.
Genome position (GRCh38, 1-based): chr19:6,821,661, G>T. VCF-style: chr19-6821661-G-T. GRCh37 (hg19) VCF-style: chr19-6821672-G-T.
Other names: c.361G>T, p.Ala121Ser (NM_001258206.2, NM_001258207.2); short protein forms A121S.
Identifiers: ClinVar variation 4721965 (VCV004721965.1).

ClinVar aggregate classification (germline): Uncertain significance (1 of 4 stars; one submission).

Submission:

Labcorp Genetics (formerly Invitae), Labcorp
Classification: Uncertain significance. Last evaluated: 2025-06-23. Review status: criteria provided, single submitter. Criteria: Invitae Variant Classification Sherloc (09022015). Collection method: clinical testing. Allele origin: germline.
Comment: This sequence change replaces alanine, which is neutral and non-polar, with serine, which is neutral and polar, at codon 121 of the VAV1 protein (p.Ala121Ser). This variant is not present in population databases (gnomAD no frequency). This variant has not been reported in the literature in individuals affected with VAV1-related conditions. An algorithm developed to predict the effect of missense changes on protein structure and function (PolyPhen-2) suggests that this variant is likely to be disruptive. In summary, the available evidence is currently insufficient to determine the role of this variant in disease. Therefore, it has been classified as a Variant of Uncertain Significance.